The following is an entry in ClinVar:

ClinVar aggregate classification (germline): Uncertain significance. Review status: criteria provided, multiple submitters, no conflicts (2 of 4 stars). 2 submissions from 2 submitters: Uncertain significance (2). Last evaluated 2026-06-27.

Conditions:
Brugada syndrome 8 (BRGDA8). Identifiers: Orphanet 130, MedGen C2751083, MONDO:0013148, OMIM 613123.
Cardiovascular phenotype. Identifiers: MedGen CN230736.

Allele frequency attached by ClinVar (database versions not stated): ExAC 0.00002; gnomAD exomes 0.00001.
gnomAD v4.1: 2 of 1,553,064 alleles (0.00013%); highest among the groups gnomAD compares: Admixed American, 0.0019%; no homozygotes.

Submissions (2):

Ambry Genetics
Classification: Uncertain significance for Cardiovascular phenotype. Last evaluated: 2026-06-27. Review status: criteria provided, single submitter. Criteria: Ambry Variant Classification Scheme 2023. Collection method: clinical testing. Allele origin: germline.
Comment: The p.P972S variant (also known as c.2914C>T), located in coding exon 8 of the HCN4 gene, results from a C to T substitution at nucleotide position 2914. The proline at codon 972 is replaced by serine, an amino acid with similar properties. This amino acid position is conserved. In addition, the in silico prediction for this alteration is inconclusive. Based on the available evidence, the clinical significance of this variant remains unclear.

Labcorp Genetics (formerly Invitae), Labcorp
Classification: Uncertain significance for Brugada syndrome 8. Last evaluated: 2023-10-03. Review status: criteria provided, single submitter. Criteria: Invitae Variant Classification Sherloc (09022015). Collection method: clinical testing. Allele origin: germline.
Comment: This sequence change replaces proline, which is neutral and non-polar, with serine, which is neutral and polar, at codon 972 of the HCN4 protein (p.Pro972Ser). The frequency data for this variant in the population databases is considered unreliable, as metrics indicate poor data quality at this position in the gnomAD database. This variant has not been reported in the literature in individuals affected with HCN4-related conditions. ClinVar contains an entry for this variant (Variation ID: 1046742). Advanced modeling of protein sequence and biophysical properties (such as structural, functional, and spatial information, amino acid conservation, physicochemical variation, residue mobility, and thermodynamic stability) performed at Invitae indicates that this missense variant is not expected to disrupt HCN4 protein function. In summary, the available evidence is currently insufficient to determine the role of this variant in disease. Therefore, it has been classified as a Variant of Uncertain Significance.

NM_005477.3(HCN4):c.2914C>T (p.Pro972Ser)

Gene: HCN4 (hyperpolarization activated cyclic nucleotide gated potassium channel 4; minus strand). Cytogenetic location: 15q24.1.
Variant type: single nucleotide variant.
Coding change: c.2914C>T on transcript NM_005477.3 (MANE Select); coding-DNA position 2914, C replaced by T.
Protein change: p.Pro972Ser; replaces proline 972 with serine.
Molecular consequence: missense variant.
Genome position (GRCh38, 1-based): chr15:73,323,179, G>A on the plus strand (C>T on the coding strand, the complement: HCN4 is on the minus strand). VCF-style: chr15-73323179-G-A. GRCh37 (hg19) VCF-style: chr15-73615520-G-A.
Other names: c.2914C>T (NM_005477.2); short protein forms P972S.
Identifiers: ClinVar variation 1046742 (VCV001046742.7), dbSNP rs771946238, ClinGen allele CA7648927.